The following is an entry in ClinVar:

ClinVar aggregate classification (germline): Conflicting classifications of pathogenicity. Review status: criteria provided, conflicting classifications (1 of 4 stars). 3 submissions from 3 submitters: Likely pathogenic (1); Uncertain significance (2). Last evaluated 2026-09-04.

Conditions:
Noonan syndrome 10 (NS10). Identifiers: Orphanet 648, MedGen C4225280, MONDO:0014693, OMIM 616564.
Cardiovascular phenotype. Identifiers: MedGen CN230736.
Hereditary cancer-predisposing syndrome. Also called: Neoplastic Syndromes, Hereditary; Tumor predisposition; Hereditary Cancer Syndrome; Hereditary neoplastic syndrome. Identifiers: Orphanet 140162, MedGen C0027672, MeSH D009386, MONDO:0015356.

Allele frequency attached by ClinVar (database versions not stated): gnomAD exomes below 0.00001.
gnomAD v4.1: 1 of 1,612,460 alleles (0.000062%); highest among the groups gnomAD compares: Non-Finnish European, 0.000085%; no homozygotes.

Submissions (3):

Ambry Genetics
Classification: Likely pathogenic for Cardiovascular phenotype; Hereditary cancer-predisposing syndrome. Last evaluated: 2026-09-04. Review status: criteria provided, single submitter. Criteria: Ambry Variant Classification Scheme 2023. Collection method: clinical testing. Allele origin: germline.
Comment: The p.T111P variant (also known as c.331A>C), located in coding exon 4 of the LZTR1 gene, results from an A to C substitution at nucleotide position 331. The threonine at codon 111 is replaced by proline, an amino acid with highly similar properties. This amino acid position is conserved. In silico splice site analysis predicts that this alteration will not have any significant effect on splicing. RNA studies have demonstrated that this variant results in abnormal splicing in the set of samples tested (Ambry internal data). This variant is considered to be rare based on population cohorts in the Genome Aggregation Database (gnomAD). Based on the supporting evidence, this variant is likely pathogenic for an increased risk of LZTR1-related schwannomatosis (SWN). This alteration is also likely to cause autosomal recessive Noonan syndrome when present along with a second pathogenic variant on the other allele; however, the clinical significance for autosomal dominant Noonan syndrome is unclear.

OLLIN Analises Genomicas, OLLIN
Classification: Uncertain significance for Noonan syndrome 10. Last evaluated: 2026-08-06. Review status: criteria provided, single submitter. Criteria: ACMG Guidelines 2015 PMID 25741868. Collection method: clinical testing. Allele origin: germline. Inheritance: Autosomal dominant inheritance.
Comment: This missense variant, located in exon 4 (of 21), has been reported in ClinVar (accession VCV003238271.2) and in gnomAD with an allele frequency of 0.000062%. However, to our knowledge, it has not been reported in the scientific literature. In silico analysis is inconclusive regarding the impact of this variant. According to the currently available evidence, this variant has been classified as uncertain significance (PM2_P).

GeneDx
Classification: Uncertain significance. Last evaluated: 2023-05-28. Review status: criteria provided, single submitter. Criteria: GeneDx Variant Classification Process June 2021. Collection method: clinical testing. Allele origin: germline. Affected: yes.
Comment: Not observed at significant frequency in large population cohorts (gnomAD); In silico analysis supports that this missense variant has a deleterious effect on protein structure/function; Has not been previously published as pathogenic or benign to our knowledge

NM_006767.4(LZTR1):c.331A>C (p.Thr111Pro)

Gene: LZTR1 (leucine zipper like post translational regulator 1; plus strand). Cytogenetic location: 22q11.21.
Variant type: single nucleotide variant.
Coding change: c.331A>C on transcript NM_006767.4 (MANE Select); coding-DNA position 331, A replaced by C.
Protein change: p.Thr111Pro; replaces threonine 111 with proline.
Molecular consequence: missense variant.
Genome position (GRCh38, 1-based): chr22:20,987,514, A>C. VCF-style: chr22-20987514-A-C. GRCh37 (hg19) VCF-style: chr22-21341803-A-C.
Other names: short protein forms T111P.
Identifiers: ClinVar variation 3238271 (VCV003238271.4), dbSNP rs1924435798.